The following is an entry in ClinVar:

NM_001267550.2(TTN):c.23059_23073delinsCAA (p.Val7687_Ser7691delinsGln)

Gene: TTN (titin; minus strand). Cytogenetic location: 2q31.2.
Variant type: Indel.
Coding change: c.23059_23073delinsCAA on transcript NM_001267550.2 (MANE Select); coding-DNA positions 23059 to 23073, GTTGGTGACGCCAGC replaced by CAA.
Protein change: p.Val7687_Ser7691delinsGln.
Molecular consequence: inframe indel. On other transcripts: intron variant (3).
Genome position (GRCh38, 1-based): chr2:178,720,946-178,720,960, GCTGGCGTCACCAAC replaced by TTG on the plus strand (GTTGGTGACGCCAGC replaced by CAA on the coding strand, the reverse complement: TTN is on the minus strand). VCF-style: chr2-178720946-GCTGGCGTCACCAAC-TTG. GRCh37 (hg19) VCF-style: chr2-179585673-GCTGGCGTCACCAAC-TTG.
Other names: c.22108_22122delinsCAA, p.Val7370_Ser7374delinsGln (NM_001256850.1); c.19327_19341delinsCAA, p.Val6443_Ser6447delinsGln (NM_133378.4); c.13282+17122_13282+17136delinsCAA (NM_003319.4); c.13858+17122_13858+17136delinsCAA (NM_133437.4); c.13657+17122_13657+17136delinsCAA (NM_133432.3).
Identifiers: ClinVar variation 3390282 (VCV003390282.14).
Genomic context (GRCh38, chr2:178,720,946, plus strand): 5'-AGAATAAAGAAACAAAGAAGCTTAGTGTGTCTAACCTTTCACTGTCAACGCTGTGCTGCA[GCTGGCGTCACCAAC>TTG]ACCATTATGAGCCTCACAAATGTAGTCCCCGCTGTCTTCAGCACTAGCTTCATTGATCGT-3'

ClinVar aggregate classification (germline): Uncertain significance (1 of 4 stars; one submission).

Submission:

CeGaT Center for Human Genetics Tuebingen
Classification: Uncertain significance. Last evaluated: 2024-09-01. Review status: criteria provided, single submitter. Criteria: CeGaT Center For Human Genetics Tuebingen Variant Classification Criteria Version 2. Collection method: clinical testing. Allele origin: germline. Affected: yes. Observed: 1 variant allele.
Comment: TTN: PM2, PM4